The following is an entry in ClinVar:

NM_000059.4(BRCA2):c.8488T>A (p.Trp2830Arg)

Gene: BRCA2 (BRCA2 DNA repair associated; plus strand). Cytogenetic location: 13q13.1.
Variant type: single nucleotide variant.
Coding change: c.8488T>A on transcript NM_000059.4 (MANE Select); coding-DNA position 8488, T replaced by A.
Protein change: p.Trp2830Arg; replaces tryptophan 2830 with arginine.
Molecular consequence: missense variant.
Genome position (GRCh38, 1-based): chr13:32,370,956, T>A. VCF-style: chr13-32370956-T-A. GRCh37 (hg19) VCF-style: chr13-32945093-T-A.
Other names: short protein forms W2830R.
Identifiers: ClinVar variation 822491 (VCV000822491.13), dbSNP rs1304085334, ClinGen allele CA387752655.

ClinVar aggregate classification (germline): Conflicting classifications of pathogenicity. Review status: criteria provided, conflicting classifications (1 of 4 stars). 2 submissions from 2 submitters: Uncertain significance (1); Likely benign (1). Last evaluated 2020-06-03.

Conditions:
Hereditary cancer-predisposing syndrome. Also called: Tumor predisposition; Hereditary Cancer Syndrome; Neoplastic Syndromes, Hereditary; Hereditary neoplastic syndrome. Identifiers: Orphanet 140162, MedGen C0027672, MeSH D009386, MONDO:0015356.
Hereditary breast ovarian cancer syndrome. Also called: Hereditary breast and ovarian cancer; Breast and ovarian cancer; Hereditary breast and/or ovarian cancer syndrome; Hereditary breast and ovarian cancer syndrome; BRCA1- and BRCA2-Associated Hereditary Breast and Ovarian Cancer; Hereditary breast and ovarian cancer syndrome (HBOC). Identifiers: Orphanet 145, MedGen C0677776, MeSH D061325, MONDO:0003582. Disease mechanism: loss of function.

Submissions (2):

Labcorp Genetics (formerly Invitae), Labcorp
Classification: Uncertain significance for Hereditary breast ovarian cancer syndrome. Last evaluated: 2020-06-03. Review status: criteria provided, single submitter. Criteria: Invitae Variant Classification Sherloc (09022015). Collection method: clinical testing. Allele origin: germline.
Comment: This sequence change replaces tryptophan with arginine at codon 2830 of the BRCA2 protein (p.Trp2830Arg). The tryptophan residue is highly conserved and there is a moderate physicochemical difference between tryptophan and arginine. This variant is not present in population databases (ExAC no frequency). This variant has not been reported in the literature in individuals with BRCA2-related conditions. ClinVar contains an entry for this variant (Variation ID: 822491). Algorithms developed to predict the effect of missense changes on protein structure and function (SIFT, PolyPhen-2, Align-GVGD) all suggest that this variant is likely to be disruptive, but these predictions have not been confirmed by published functional studies and their clinical significance is uncertain. In summary, the available evidence is currently insufficient to determine the role of this variant in disease. Therefore, it has been classified as a Variant of Uncertain Significance.

Ambry Genetics
Classification: Likely benign for Hereditary cancer-predisposing syndrome. Last evaluated: 2019-09-20. Review status: criteria provided, single submitter. Criteria: Ambry Variant Classification Scheme 2023. Collection method: clinical testing. Allele origin: germline.